The following is an entry in ClinVar:

ClinVar aggregate classification (germline): Uncertain significance. Review status: criteria provided, multiple submitters, no conflicts (2 of 4 stars). 2 submissions from 2 submitters: Uncertain significance (2). Last evaluated 2024-05-01.

Conditions:
FG syndrome (FGS). Identifiers: MedGen C0220769, MONDO:0002010.
Familial thoracic aortic aneurysm and aortic dissection (TAAD). Also called: Thoracic aortic aneurysms and dissections. Identifiers: Orphanet 91387, MedGen C4707243, MONDO:0019625.

Allele frequency attached by ClinVar (database versions not stated): TOPMed below 0.00001.

Submissions (2):

Labcorp Genetics (formerly Invitae), Labcorp
Classification: Uncertain significance for FG syndrome. Last evaluated: 2024-05-01. Review status: criteria provided, single submitter. Criteria: Invitae Variant Classification Sherloc (09022015). Collection method: clinical testing. Allele origin: germline.
Comment: This sequence change replaces lysine, which is basic and polar, with asparagine, which is neutral and polar, at codon 647 of the MED12 protein (p.Lys647Asn). This variant is not present in population databases (gnomAD no frequency). This variant has not been reported in the literature in individuals affected with MED12-related conditions. Advanced modeling of protein sequence and biophysical properties (such as structural, functional, and spatial information, amino acid conservation, physicochemical variation, residue mobility, and thermodynamic stability) performed at Invitae indicates that this missense variant is not expected to disrupt MED12 protein function with a negative predictive value of 95%. In summary, the available evidence is currently insufficient to determine the role of this variant in disease. Therefore, it has been classified as a Variant of Uncertain Significance.

Ambry Genetics
Classification: Uncertain significance for Familial thoracic aortic aneurysm and aortic dissection. Last evaluated: 2023-11-09. Review status: criteria provided, single submitter. Criteria: Ambry Variant Classification Scheme 2023. Collection method: clinical testing. Allele origin: germline.
Comment: The p.K647N variant (also known as c.1941G>C), located in coding exon 13 of the MED12 gene, results from a G to C substitution at nucleotide position 1941. The lysine at codon 647 is replaced by asparagine, an amino acid with similar properties. This amino acid position is conserved. In addition, this alteration is predicted to be tolerated by in silico analysis. Since supporting evidence is limited at this time, the clinical significance of this alteration remains unclear.

NM_005120.3(MED12):c.1941G>C (p.Lys647Asn)

Gene: MED12 (mediator complex subunit 12; plus strand). Cytogenetic location: Xq13.1.
Variant type: single nucleotide variant.
Coding change: c.1941G>C on transcript NM_005120.3 (MANE Select); coding-DNA position 1941, G replaced by C.
Protein change: p.Lys647Asn; replaces lysine 647 with asparagine.
Molecular consequence: missense variant.
Genome position (GRCh38, 1-based): chrX:71,124,355, G>C. VCF-style: chrX-71124355-G-C. GRCh37 (hg19) VCF-style: chrX-70344205-G-C.
Other names: short protein forms K647N.
Identifiers: ClinVar variation 3224571 (VCV003224571.3), dbSNP rs1340181134, ClinGen allele CA413510038.